The following is an entry in ClinVar:

NM_000051.4(ATM):c.8128A>G (p.Lys2710Glu)

Genes: ATM (ATM serine/threonine kinase; plus strand), C11orf65 (chromosome 11 open reading frame 65; minus strand). Cytogenetic location: 11q22.3.
Variant type: single nucleotide variant.
Coding change: c.8128A>G on transcript NM_000051.4 (MANE Select); coding-DNA position 8128, A replaced by G.
Protein change: p.Lys2710Glu; replaces lysine 2710 with glutamic acid.
Molecular consequence: missense variant. On other transcripts: intron variant (2).
Genome position (GRCh38, 1-based): chr11:108,335,086, A>G. VCF-style: chr11-108335086-A-G. GRCh37 (hg19) VCF-style: chr11-108205813-A-G.
Other names: c.8128A>G, p.Lys2710Glu (NM_001351834.2); c.641-26015T>C (NM_001330368.2); c.*38+134T>C (NM_001351110.2); short protein forms K2710E.
Identifiers: ClinVar variation 2863353 (VCV002863353.4), dbSNP rs2136663616, ClinGen allele CA382562185.

ClinVar aggregate classification (germline): Uncertain significance. Review status: criteria provided, multiple submitters, no conflicts (2 of 4 stars). 2 submissions from 2 submitters: Uncertain significance (2). Last evaluated 2025-08-19.

Conditions:
Ataxia-telangiectasia syndrome (AT). Also called: ATAXIA-TELANGIECTASIA, COMPLEMENTATION GROUP A; ATAXIA-TELANGIECTASIA, FRESNO VARIANT; Ataxia-telangiectasia; Ataxia-telangiectasia, complementation group E; LOUIS-BAR SYNDROME; Cerebello-oculocutaneous telangiectasia. Identifiers: Orphanet 100, MedGen C0004135, MONDO:0008840, OMIM 208900.
Hereditary cancer-predisposing syndrome. Also called: Tumor predisposition; Hereditary Cancer Syndrome; Hereditary neoplastic syndrome; Neoplastic Syndromes, Hereditary. Identifiers: Orphanet 140162, MedGen C0027672, MeSH D009386, MONDO:0015356.

Submissions (2):

Ambry Genetics
Classification: Uncertain significance for Hereditary cancer-predisposing syndrome. Last evaluated: 2025-08-19. Review status: criteria provided, single submitter. Criteria: Ambry Variant Classification Scheme 2023. Collection method: clinical testing. Allele origin: germline.
Comment: The p.K2710E variant (also known as c.8128A>G), located in coding exon 54 of the ATM gene, results from an A to G substitution at nucleotide position 8128. The lysine at codon 2710 is replaced by glutamic acid, an amino acid with similar properties. This amino acid position is conserved. In addition, this alteration is predicted to be tolerated by in silico analysis. Based on the available evidence, the clinical significance of this variant remains unclear.

Labcorp Genetics (formerly Invitae), Labcorp
Classification: Uncertain significance for Ataxia-telangiectasia syndrome. Last evaluated: 2024-04-10. Review status: criteria provided, single submitter. Criteria: Invitae Variant Classification Sherloc (09022015). Collection method: clinical testing. Allele origin: germline.
Comment: This sequence change replaces lysine, which is basic and polar, with glutamic acid, which is acidic and polar, at codon 2710 of the ATM protein (p.Lys2710Glu). This variant is not present in population databases (gnomAD no frequency). This variant has not been reported in the literature in individuals affected with ATM-related conditions. An algorithm developed to predict the effect of missense changes on protein structure and function (PolyPhen-2) suggests that this variant is likely to be tolerated. In summary, the available evidence is currently insufficient to determine the role of this variant in disease. Therefore, it has been classified as a Variant of Uncertain Significance.